The following is an entry in ClinVar:

NM_001135022.2(ELMOD3):c.882C>T (p.His294=)

Gene: ELMOD3 (ELMO domain containing 3; plus strand). Cytogenetic location: 2p11.2.
Variant type: single nucleotide variant.
Coding change: c.882C>T on transcript NM_001135022.2 (MANE Select); coding-DNA position 882, C replaced by T.
Protein change: p.His294=; no amino-acid change (histidine 294 retained).
Molecular consequence: synonymous variant. On other transcripts: non-coding transcript variant (3).
Genome position (GRCh38, 1-based): chr2:85,390,204, C>T. VCF-style: chr2-85390204-C-T. GRCh37 (hg19) VCF-style: chr2-85617327-C-T.
Other names: p.His294=; c.882C>T, p.His294= (NM_001135021.2, NM_001135023.2, NM_001329791.2 and 2 more transcripts).
Identifiers: ClinVar variation 508141 (VCV000508141.11), dbSNP rs17850708, ClinGen allele CA1740535.

ClinVar aggregate classification (germline): Benign. Review status: criteria provided, multiple submitters, no conflicts (2 of 4 stars). 4 submissions from 4 submitters: Benign (4). Last evaluated 2026-02-03.

Allele frequency attached by ClinVar (database versions not stated): 1000 Genomes Project 0.04273; 1000 Genomes Project 30x 0.04482; gnomAD exomes 0.04730 and 0.06390; ExAC 0.04874; TOPMed 0.05068; gnomAD 0.05108 and 0.05145; ESP Exome Variant Server 0.06066.
gnomAD v4.1: 100,714 of 1,614,146 alleles (6.2%); highest among the groups gnomAD compares: Non-Finnish European, 7.1%; 3,481 homozygotes.

Submissions (4):

Labcorp Genetics (formerly Invitae), Labcorp
Classification: Benign. Last evaluated: 2026-02-03. Review status: criteria provided, single submitter. Criteria: Invitae Variant Classification Sherloc (09022015). Collection method: clinical testing. Allele origin: germline.

Mayo Clinic Laboratories, Mayo Clinic
Classification: Benign. Last evaluated: 2021-02-19. Review status: criteria provided, single submitter. Criteria: ACMG Guidelines, 2015. Collection method: clinical testing. Allele origin: germline. Observed: 20 variant alleles.

GeneDx
Classification: Benign. Last evaluated: 2017-10-23. Review status: criteria provided, single submitter. Criteria: GeneDx Variant Classification (06012015). Collection method: clinical testing. Allele origin: germline. Affected: yes.
Comment: This variant is considered likely benign or benign based on one or more of the following criteria: it is a conservative change, it occurs at a poorly conserved position in the protein, it is predicted to be benign by multiple in silico algorithms, and/or has population frequency not consistent with disease.

Breakthrough Genomics
Classification: Benign. Review status: criteria provided, single submitter. Criteria: ACMG Guidelines, 2015. Collection method: not provided. Allele origin: germline. Inheritance: Autosomal recessive inheritance. Affected: yes.